The following is an entry in ClinVar:

NM_022081.6(HPS4):c.384+1G>A

Gene: HPS4 (HPS4 biogenesis of lysosomal organelles complex 3 subunit 2; minus strand). Cytogenetic location: 22q12.1.
Variant type: single nucleotide variant.
Coding change: c.384+1G>A on transcript NM_022081.6 (MANE Select); the canonical splice donor site of the intron after coding-DNA position 384, G replaced by A.
Molecular consequence: splice donor variant.
Genome position (GRCh38, 1-based): chr22:26,472,831, C>T on the plus strand (G>A on the coding strand, the complement: HPS4 is on the minus strand). VCF-style: chr22-26472831-C-T. GRCh37 (hg19) VCF-style: chr22-26868797-C-T.
Other names: c.384+1G>A (NM_001349905.1, NM_001349904.2, NM_001349902.1 and 7 more transcripts); c.369+1G>A (NM_152841.2).
Identifiers: ClinVar variation 1502857 (VCV001502857.11), dbSNP rs201334605, ClinGen allele CA10163733.
Genomic context (GRCh38, chr22:26,472,831, plus strand): 5'-CTGGCAATACCGGTTTTTATAAAGAGGCCCAATGTAAGACTCCTCAACCCCATACTTGTA[C>T]CTCATAAGCTAGGGAAACAGGTCCATTGTAAAAATTAAAGAATCCAACTAGCTGATCCAG-3'

ClinVar aggregate classification (germline): Conflicting classifications of pathogenicity. Review status: criteria provided, conflicting classifications (1 of 4 stars). 4 submissions from 4 submitters: Pathogenic (1); Likely pathogenic (1); Uncertain significance (2). Last evaluated 2024-10-28.

Conditions:
Hermansky-Pudlak syndrome 4 (HPS4). Identifiers: Orphanet 231500, Orphanet 79430, MedGen C3484357, MONDO:0013556, OMIM 614073.

Allele frequency attached by ClinVar (database versions not stated): gnomAD 0.00005 and 0.00006; TOPMed 0.00006; ESP Exome Variant Server 0.00008; gnomAD exomes 0.00008 and 0.00012; ExAC 0.00010.
gnomAD v4.1: 183 of 1,610,044 alleles (0.011%); highest among the groups gnomAD compares: Non-Finnish European, 0.015%; no homozygotes.

Submissions (4):

Blueprint Genetics
Classification: Uncertain significance. Last evaluated: 2024-10-28. Review status: criteria provided, single submitter. Criteria: ACMG Guidelines, 2015. Collection method: clinical testing. Allele origin: germline.

Labcorp Genetics (formerly Invitae), Labcorp
Classification: Likely pathogenic. Last evaluated: 2024-01-26. Review status: criteria provided, single submitter. Criteria: Invitae Variant Classification Sherloc (09022015). Collection method: clinical testing. Allele origin: germline.
Comment: This sequence change affects a donor splice site in intron 5 of the HPS4 gene. It is expected to disrupt RNA splicing. Variants that disrupt the donor or acceptor splice site typically lead to a loss of protein function (PMID: 16199547), and loss-of-function variants in HPS4 are known to be pathogenic (PMID: 12664304). This variant is present in population databases (rs201334605, gnomAD 0.02%). This variant has not been reported in the literature in individuals affected with HPS4-related conditions. ClinVar contains an entry for this variant (Variation ID: 1502857). Algorithms developed to predict the effect of sequence changes on RNA splicing suggest that this variant may disrupt the consensus splice site. In summary, the currently available evidence indicates that the variant is pathogenic, but additional data are needed to prove that conclusively. Therefore, this variant has been classified as Likely Pathogenic.

Baylor Genetics
Classification: Uncertain significance for Hermansky-Pudlak syndrome 4. Last evaluated: 2023-04-06. Review status: criteria provided, single submitter. Criteria: ACMG Guidelines, 2015. Collection method: clinical testing. Allele origin: unknown.

Centre of Medical Genetics, University Hospital Muenster
Classification: Pathogenic. Last evaluated: 2021-12-08. Review status: criteria provided, single submitter. Criteria: ACMG Guidelines, 2015. Collection method: clinical testing. Allele origin: unknown. Affected: yes. Observed: 1 variant allele, 1 heterozygote.
Comment: ACMG categories: PVS1,PM2,PM3

Literature cited by the submitters: PubMed 16199547 (cited by Labcorp Genetics (formerly Invitae), Labcorp); PubMed 12664304 (cited by Labcorp Genetics (formerly Invitae), Labcorp).